The following is an entry in ClinVar:

ClinVar aggregate classification (germline): Likely benign (1 of 4 stars; one submission).

gnomAD v4.1: 21 of 1,211,001 alleles (0.0017%); highest among the groups gnomAD compares: South Asian, 0.037%; no homozygotes.

Submission:

CeGaT Center for Human Genetics Tuebingen
Classification: Likely benign. Last evaluated: 2023-03-01. Review status: criteria provided, single submitter. Criteria: CeGaT Center For Human Genetics Tuebingen Variant Classification Criteria Version 2. Collection method: clinical testing. Allele origin: germline. Affected: yes. Observed: 1 variant allele.
Comment: CNKSR2: PP2, BP4, BS2

NM_014927.5(CNKSR2):c.2611G>C (p.Val871Leu)

Gene: CNKSR2 (connector enhancer of kinase suppressor of Ras 2; plus strand). Cytogenetic location: Xp22.12.
Variant type: single nucleotide variant.
Coding change: c.2611G>C on transcript NM_014927.5 (MANE Select); coding-DNA position 2611, G replaced by C.
Protein change: p.Val871Leu; replaces valine 871 with leucine.
Molecular consequence: missense variant.
Genome position (GRCh38, 1-based): chrX:21,609,536, G>C. VCF-style: chrX-21609536-G-C. GRCh37 (hg19) VCF-style: chrX-21627654-G-C.
Other names: c.2521G>C, p.Val841Leu (NM_001168647.3, NM_001330773.2); c.2611G>C, p.Val871Leu (NM_001168648.3); c.2464G>C, p.Val822Leu (NM_001168649.3, NM_001330770.2); c.2374G>C, p.Val792Leu (NM_001330771.2, NM_001330772.2); short protein forms V792L, V822L, V841L, V871L.
Identifiers: ClinVar variation 2660148 (VCV002660148.24), dbSNP rs779720741, ClinGen allele CA10366790.